The following is an entry in ClinVar:

ClinVar aggregate classification (germline): Uncertain significance. Review status: criteria provided, multiple submitters, no conflicts (2 of 4 stars). 2 submissions from 2 submitters: Uncertain significance (2). Last evaluated 2025-10-28.

Conditions:
RYR1-related disorder. Also called: RYR1-related condition; RYR1-related disorders. Identifiers: MedGen CN239331.

Allele frequency attached by ClinVar (database versions not stated): gnomAD exomes below 0.00001; gnomAD 0.00002; TOPMed 0.00002.
gnomAD v4.1: 9 of 1,613,452 alleles (0.00056%); highest among the groups gnomAD compares: African/African-American, 0.0053%; no homozygotes.

Submissions (2):

Labcorp Genetics (formerly Invitae), Labcorp
Classification: Uncertain significance for RYR1-related disorder. Last evaluated: 2025-10-28. Review status: criteria provided, single submitter. Criteria: Invitae Variant Classification Sherloc (09022015). Collection method: clinical testing. Allele origin: germline.
Comment: This sequence change replaces arginine, which is basic and polar, with tryptophan, which is neutral and slightly polar, at codon 2869 of the RYR1 protein (p.Arg2869Trp). This variant is present in population databases (no rsID available, gnomAD 0.01%). This variant has not been reported in the literature in individuals affected with RYR1-related conditions. ClinVar contains an entry for this variant (Variation ID: 2143087). Invitae Evidence Modeling of protein sequence and biophysical properties (such as structural, functional, and spatial information, amino acid conservation, physicochemical variation, residue mobility, and thermodynamic stability) indicates that this missense variant is not expected to disrupt RYR1 protein function with a negative predictive value of 80%. In summary, the available evidence is currently insufficient to determine the role of this variant in disease. Therefore, it has been classified as a Variant of Uncertain Significance.

Revvity Omics, Revvity
Classification: Uncertain significance. Last evaluated: 2024-06-17. Review status: criteria provided, single submitter. Criteria: ACMG Guidelines, 2015. Collection method: clinical testing. Allele origin: germline.

NM_000540.3(RYR1):c.8605C>T (p.Arg2869Trp)

Genes: RYR1 (ryanodine receptor 1; plus strand), LOC126862902 (BRD4-independent group 4 enhancer GRCh37_chr19:38995830-38997029; plus strand). Cytogenetic location: 19q13.2.
Variant type: single nucleotide variant.
Coding change: c.8605C>T on transcript NM_000540.3 (MANE Select); coding-DNA position 8605, C replaced by T.
Protein change: p.Arg2869Trp; replaces arginine 2869 with tryptophan.
Molecular consequence: missense variant.
Genome position (GRCh38, 1-based): chr19:38,506,366, C>T. VCF-style: chr19-38506366-C-T. GRCh37 (hg19) VCF-style: chr19-38997006-C-T.
Other names: c.8605C>T, p.Arg2869Trp (NM_001042723.2); short protein forms R2869W.
Identifiers: ClinVar variation 2143087 (VCV002143087.4), dbSNP rs956373707, ClinGen allele CA308118358.